The following is an entry in ClinVar:

ClinVar aggregate classification (germline): Uncertain significance (1 of 4 stars; one submission).

Allele frequency attached by ClinVar (database versions not stated): gnomAD exomes below 0.00001.
gnomAD v4.1: 1 of 1,613,940 alleles (0.000062%); highest among the groups gnomAD compares: Non-Finnish European, 0.000085%; no homozygotes.

Submission:

Labcorp Genetics (formerly Invitae), Labcorp
Classification: Uncertain significance. Last evaluated: 2022-04-10. Review status: criteria provided, single submitter. Criteria: Invitae Variant Classification Sherloc (09022015). Collection method: clinical testing. Allele origin: germline.
Comment: This sequence change replaces isoleucine, which is neutral and non-polar, with leucine, which is neutral and non-polar, at codon 834 of the MSH3 protein (p.Ile834Leu). This variant is not present in population databases (gnomAD no frequency). This variant has not been reported in the literature in individuals affected with MSH3-related conditions. Algorithms developed to predict the effect of missense changes on protein structure and function are either unavailable or do not agree on the potential impact of this missense change (SIFT: "Deleterious"; PolyPhen-2: "Benign"; Align-GVGD: "Class C0"). In summary, the available evidence is currently insufficient to determine the role of this variant in disease. Therefore, it has been classified as a Variant of Uncertain Significance.

NM_002439.5(MSH3):c.2500A>C (p.Ile834Leu)

Gene: MSH3 (mutS homolog 3; plus strand). Cytogenetic location: 5q14.1.
Variant type: single nucleotide variant.
Coding change: c.2500A>C on transcript NM_002439.5 (MANE Select); coding-DNA position 2500, A replaced by C.
Protein change: p.Ile834Leu; replaces isoleucine 834 with leucine.
Molecular consequence: missense variant.
Genome position (GRCh38, 1-based): chr5:80,787,629, A>C. VCF-style: chr5-80787629-A-C. GRCh37 (hg19) VCF-style: chr5-80083448-A-C.
Other names: short protein forms I834L.
Identifiers: ClinVar variation 2124006 (VCV002124006.4), dbSNP rs2112020312, ClinGen allele CA360283279.
Genomic context (GRCh38, chr5:80,787,629, plus strand): 5'-TTCAGTGAACATTATCACTCCTTGTGTAAAGCAGTGCATCACCTAGCAACTGTTGACTGC[A>C]TTTTCTCCCTGGCCAAGGTCGCTAAGCAAGGAGATTACTGCAGGTAAGATATTTTTCATT-3'
Protein context (NP_002430.3, residues 824-844): AVHHLATVDC[Ile834Leu]FSLAKVAKQG